The following is an entry in ClinVar:

ClinVar aggregate classification (germline): Likely pathogenic (1 of 4 stars; one submission).

Conditions:
Hereditary cancer-predisposing syndrome. Also called: Neoplastic Syndromes, Hereditary; Tumor predisposition; Hereditary Cancer Syndrome; Hereditary neoplastic syndrome. Identifiers: Orphanet 140162, MedGen C0027672, MeSH D009386, MONDO:0015356.

Allele frequency attached by ClinVar (database versions not stated): TOPMed below 0.00001; gnomAD 0.00001.

Submission:

Ambry Genetics
Classification: Likely pathogenic for Hereditary cancer-predisposing syndrome. Last evaluated: 2025-12-04. Review status: criteria provided, single submitter. Criteria: Ambry Variant Classification Scheme 2023. Collection method: clinical testing. Allele origin: germline.
Comment: The p.L58P variant (also known as c.173T>C), located in coding exon 3 of the PMS2 gene, results from a T to C substitution at nucleotide position 173. The leucine at codon 58 is replaced by proline, an amino acid with similar properties. This variant has been identified in probands whose Lynch syndrome-associated tumors demonstrated high microsatellite instability and/or isolated loss of PMS2 expression by immunohistochemistry (Ambry internal data). This amino acid position is highly conserved in available vertebrate species. In addition, this alteration is predicted to be deleterious by in silico analysis. Based on the majority of available evidence to date, this variant is likely to be pathogenic.

NM_000535.7(PMS2):c.173T>C (p.Leu58Pro)

Gene: PMS2 (PMS1 homolog 2, mismatch repair system component; minus strand). Cytogenetic location: 7p22.1.
Variant type: single nucleotide variant.
Coding change: c.173T>C on transcript NM_000535.7 (MANE Select); coding-DNA position 173, T replaced by C.
Protein change: p.Leu58Pro; replaces leucine 58 with proline.
Molecular consequence: missense variant. On other transcripts: 5 prime UTR variant (11), non-coding transcript variant (1).
Genome position (GRCh38, 1-based): chr7:6,004,049, A>G on the plus strand (T>C on the coding strand, the complement: PMS2 is on the minus strand). VCF-style: chr7-6004049-A-G. GRCh37 (hg19) VCF-style: chr7-6043680-A-G.
Other names: c.-233T>C (NM_001018040.1, NM_001322003.2, NM_001322004.2 and 14 more transcripts); c.173T>C, p.Leu58Pro (NM_001322006.2, NM_001322014.2, NM_001406868.1 and 10 more transcripts); c.-43T>C (NM_001322007.2, NM_001322008.2, NM_001406876.1 and 4 more transcripts); c.-712T>C (NM_001322011.2, NM_001322012.2); c.-312T>C (NM_001322015.2, NM_001406875.1, NM_001406877.1 and 3 more transcripts); c.359T>C, p.Leu120Pro (NM_001406866.1); c.-259T>C (NM_001406880.1); c.-209T>C (NM_001406881.1, NM_001406900.1); and 2 more; short protein forms L58P, L120P.
Identifiers: ClinVar variation 1779180 (VCV001779180.4), dbSNP rs1283674079, ClinGen allele CA366744917.